The following is an entry in ClinVar:

ClinVar aggregate classification (germline): Conflicting classifications of pathogenicity. Review status: criteria provided, conflicting classifications (1 of 4 stars). 2 submissions from 2 submitters: Uncertain significance (1); Likely benign (1). Last evaluated 2023-03-23.

Conditions:
Hereditary cancer-predisposing syndrome. Also called: Tumor predisposition; Neoplastic Syndromes, Hereditary; Hereditary Cancer Syndrome; Hereditary neoplastic syndrome. Identifiers: Orphanet 140162, MedGen C0027672, MeSH D009386, MONDO:0015356.

Submissions (2):

University of Washington Department of Laboratory Medicine, University of Washington
Classification: Likely benign for Hereditary cancer-predisposing syndrome. Last evaluated: 2023-03-23. Review status: criteria provided, single submitter. Criteria: Dines et al. (Genet Med. 2020). Collection method: curation. Allele origin: germline.
Comment: Missense variant in a coldspot region where missense variants are very unlikely to be pathogenic (PMID:31911673).

BRCA1 coldspot (exon 11 using historical exon numbering). Reclassification based on statistical prior probability

GeneDx
Classification: Uncertain significance. Last evaluated: 2019-07-10. Review status: criteria provided, single submitter. Criteria: GeneDx Variant Classification Process June 2021. Collection method: clinical testing. Allele origin: germline. Affected: yes.
Comment: Not observed in large population cohorts (Lek et al., 2016); In silico analysis, which includes protein predictors and evolutionary conservation, supports a deleterious effect; Has not been previously published as pathogenic or benign to our knowledge

NM_007294.4(BRCA1):c.2540T>A (p.Met847Lys)

Gene: BRCA1 (BRCA1 DNA repair associated; minus strand). Cytogenetic location: 17q21.31.
Variant type: single nucleotide variant.
Coding change: c.2540T>A on transcript NM_007294.4 (MANE Select); coding-DNA position 2540, T replaced by A.
Protein change: p.Met847Lys; replaces methionine 847 with lysine.
Molecular consequence: missense variant. On other transcripts: intron variant (137).
Genome position (GRCh38, 1-based): chr17:43,092,991, A>T on the plus strand (T>A on the coding strand, the complement: BRCA1 is on the minus strand). VCF-style: chr17-43092991-A-T. GRCh37 (hg19) VCF-style: chr17-41245008-A-T.
Other names: c.664+1753T>A (NM_001408441.1, NM_001408437.1, NM_001408429.1 and 12 more transcripts); c.787+1753T>A (NM_001407979.1, NM_001407977.1, NM_001407982.1 and 17 more transcripts); c.646+1753T>A (NM_001408410.1, NM_001408458.1, NM_001408469.1 and 11 more transcripts); c.709+1753T>A (NM_001408415.1, NM_001408412.1, NM_001408409.1 and 2 more transcripts); c.577+1753T>A (NM_001408483.1, NM_001408481.1, NM_001408480.1 and 9 more transcripts); c.2327T>A, p.Met776Lys (NM_001407571.1, NM_001407853.1, NM_001407894.1 and 9 more transcripts); c.2540T>A, p.Met847Lys (NM_001407581.1, NM_001407582.1, NM_001407583.1 and 30 more transcripts); c.2537T>A, p.Met846Lys (NM_001407587.1, NM_001407590.1, NM_001407591.1 and 22 more transcripts); and 41 more; short protein forms M800K, M847K, M551K, M679K, M719K, M776K, M821K, M720K.
Identifiers: ClinVar variation 1307126 (VCV001307126.5), dbSNP rs2154372081, ClinGen allele CA10596918.
Genomic context (GRCh38, chr17:43,092,991, plus strand): 5'-TGGCGCTTTGAAACCTTGAATGTATTCTGCAAATACTGAGCATCAAGTTCACTTTCTTCC[A>T]TTTCTATGCTTGTTTCCCGACTGTGGTTAACTTCATGTCCCAATGGATACTTAAAGCCTT-3'
Protein context (NP_009225.1, residues 837-857): VNHSRETSIE[Met847Lys]EESELDAQYL